The following is an entry in ClinVar:

ClinVar aggregate classification (germline): Uncertain significance (1 of 4 stars; one submission).

Allele frequency attached by ClinVar (database versions not stated): gnomAD exomes below 0.00001; ExAC 0.00001.
gnomAD v4.1: 2 of 1,608,272 alleles (0.00012%); highest among the groups gnomAD compares: South Asian, 0.0011%; no homozygotes.

Submission:

Labcorp Genetics (formerly Invitae), Labcorp
Classification: Uncertain significance. Last evaluated: 2022-10-03. Review status: criteria provided, single submitter. Criteria: Invitae Variant Classification Sherloc (09022015). Collection method: clinical testing. Allele origin: germline.
Comment: In summary, the available evidence is currently insufficient to determine the role of this variant in disease. Therefore, it has been classified as a Variant of Uncertain Significance. Advanced modeling of protein sequence and biophysical properties (such as structural, functional, and spatial information, amino acid conservation, physicochemical variation, residue mobility, and thermodynamic stability) performed at Invitae indicates that this missense variant is not expected to disrupt GRIN2D protein function. This variant has not been reported in the literature in individuals affected with GRIN2D-related conditions. The frequency data for this variant in the population databases is considered unreliable, as metrics indicate poor data quality at this position in the gnomAD database. This sequence change replaces alanine, which is neutral and non-polar, with threonine, which is neutral and polar, at codon 584 of the GRIN2D protein (p.Ala584Thr).

NM_000836.4(GRIN2D):c.1750G>A (p.Ala584Thr)

Gene: GRIN2D (glutamate ionotropic receptor NMDA type subunit 2D; plus strand). Cytogenetic location: 19q13.33.
Variant type: single nucleotide variant.
Coding change: c.1750G>A on transcript NM_000836.4 (MANE Select); coding-DNA position 1750, G replaced by A.
Protein change: p.Ala584Thr; replaces alanine 584 with threonine.
Molecular consequence: missense variant.
Genome position (GRCh38, 1-based): chr19:48,419,248, G>A. VCF-style: chr19-48419248-G-A. GRCh37 (hg19) VCF-style: chr19-48922505-G-A.
Other names: short protein forms A584T.
Identifiers: ClinVar variation 1974907 (VCV001974907.5), dbSNP rs781357526, ClinGen allele CA9550587.
Genomic context (GRCh38, chr19:48,419,248, plus strand): 5'-GTCTTTTGCTTGGCTGAGCCATAACCACGCACTCCCTTGTCCCCAGAGCCCTACAGCCCC[G>A]CCGTGTGGGTGATGATGTTCGTCATGTGCCTCACTGTGGTCGCCGTCACTGTTTTCATCT-3'
Protein context (NP_000827.2, residues 574-594): PSAFLEPYSP[Ala584Thr]VWVMMFVMCL